The following is an entry in ClinVar:

NM_000282.4(PCCA):c.1747-113G>A

Gene: PCCA (propionyl-CoA carboxylase subunit alpha; plus strand). Cytogenetic location: 13q32.3.
Variant type: single nucleotide variant.
Coding change: c.1747-113G>A on transcript NM_000282.4 (MANE Select); 113 bases into the intron before coding-DNA position 1747, G replaced by A.
Molecular consequence: intron variant.
Genome position (GRCh38, 1-based): chr13:100,425,520, G>A. VCF-style: chr13-100425520-G-A. GRCh37 (hg19) VCF-style: chr13-101077774-G-A.
Other names: c.1747-113G>A (NM_001178004.2, NM_001352605.2, NM_001352609.2); c.1603-113G>A (NM_001352606.2); c.802-113G>A (NM_001352610.2, NM_001352611.2); c.658-113G>A (NM_001352612.2); c.1669-113G>A (NM_001127692.3, NM_001352607.2); c.1525-113G>A (NM_001352608.2).
Identifiers: ClinVar variation 676165 (VCV000676165.2), dbSNP rs62619988, ClinGen allele CA13890846.

ClinVar aggregate classification (germline): Benign. Review status: criteria provided, multiple submitters, no conflicts (2 of 4 stars). 2 submissions from 2 submitters: Benign (2). Last evaluated 2018-06-14.

Allele frequency attached by ClinVar (database versions not stated): 1000 Genomes Project 0.02995; 1000 Genomes Project 30x 0.03014; gnomAD 0.05090 and 0.05240; TOPMed 0.05205; gnomAD exomes 0.05982.
gnomAD v4.1: 43,631 of 747,982 alleles (5.8%); highest among the groups gnomAD compares: Non-Finnish European, 7.7%; 1,665 homozygotes.

Submissions (2):

GeneDx
Classification: Benign. Last evaluated: 2018-06-14. Review status: criteria provided, single submitter. Criteria: GeneDx Variant Classification (06012015). Collection method: clinical testing. Allele origin: germline. Affected: yes.
Comment: This variant is considered likely benign or benign based on one or more of the following criteria: it is a conservative change, it occurs at a poorly conserved position in the protein, it is predicted to be benign by multiple in silico algorithms, and/or has population frequency not consistent with disease.

Breakthrough Genomics
Classification: Benign. Review status: criteria provided, single submitter. Criteria: ACMG Guidelines, 2015. Collection method: not provided. Allele origin: germline. Inheritance: Autosomal recessive inheritance. Affected: yes.